The following is an entry in ClinVar:

ClinVar aggregate classification (germline): Uncertain significance. Review status: criteria provided, single submitter (1 of 4 stars). 2 submissions from 2 submitters: Uncertain significance (1). 1 of the submissions does not count toward it. Last evaluated 2022-08-22.

Conditions:
Tuberous sclerosis syndrome (TSC). Also called: Tuberous Sclerosis Complex; Tuberous sclerosis. Identifiers: Orphanet 805, MedGen C0041341, MONDO:0001734.
Tuberous sclerosis 2 (TSC2). Identifiers: Orphanet 805, MedGen C1860707, MONDO:0013199, OMIM 613254.

Submissions (2):

Labcorp Genetics (formerly Invitae), Labcorp
Classification: Uncertain significance for Tuberous sclerosis 2. Last evaluated: 2022-08-22. Review status: criteria provided, single submitter. Criteria: Invitae Variant Classification Sherloc (09022015). Collection method: clinical testing. Allele origin: germline.
Comment: In summary, the available evidence is currently insufficient to determine the role of this variant in disease. Therefore, it has been classified as a Variant of Uncertain Significance. Variants that disrupt the consensus splice site are a relatively common cause of aberrant splicing (PMID: 17576681, 9536098). Algorithms developed to predict the effect of sequence changes on RNA splicing suggest that this variant may disrupt the consensus splice site. ClinVar contains an entry for this variant (Variation ID: 49878). This variant has been observed in individual(s) with clinical features of TSC2-related conditions (PMID: 21520333). This variant is not present in population databases (gnomAD no frequency). This sequence change falls in intron 6 of the TSC2 gene. It does not directly change the encoded amino acid sequence of the TSC2 protein. It affects a nucleotide within the consensus splice site.

Tuberous sclerosis database (TSC2)
No classification provided. Condition: TSC. Review status: no classification provided. Criteria: Tuberous Sclerosis Database Assertion Criteria 2015. Collection method: curation. Allele origin: germline. Affected: yes. Not counted in ClinVar's aggregate classification.

Literature cited by the submitters: PubMed 17576681 (cited by Labcorp Genetics (formerly Invitae), Labcorp); PubMed 9536098 (cited by Labcorp Genetics (formerly Invitae), Labcorp); PubMed 21520333 (cited by Labcorp Genetics (formerly Invitae), Labcorp).

NM_000548.5(TSC2):c.599+5G>C

Gene: TSC2 (TSC complex subunit 2; plus strand). Cytogenetic location: 16p13.3.
Variant type: single nucleotide variant.
Coding change: c.599+5G>C on transcript NM_000548.5 (MANE Select); 5 bases into the intron after coding-DNA position 599, G replaced by C.
Molecular consequence: intron variant.
Genome position (GRCh38, 1-based): chr16:2,055,524, G>C. VCF-style: chr16-2055524-G-C. GRCh37 (hg19) VCF-style: chr16-2105525-G-C.
Other names: c.599+5G>C (NM_001114382.3, NM_021055.3, NM_001370405.1 and 3 more transcripts); c.488+5G>C (NM_001318827.2); c.-1-672G>C (NM_001318831.2); c.452+5G>C (NM_001318829.2); c.632+5G>C (NM_001318832.2).
Identifiers: ClinVar variation 49878 (VCV000049878.8), dbSNP rs45463996, ClinGen allele CA022647.